The following is an entry in ClinVar:

NM_000545.8(HNF1A):c.1324C>T (p.Gln442Ter)

Gene: HNF1A (HNF1 homeobox A; plus strand). Cytogenetic location: 12q24.31.
Variant type: single nucleotide variant.
Coding change: c.1324C>T on transcript NM_000545.8 (MANE Select); coding-DNA position 1324, C replaced by T.
Protein change: p.Gln442Ter; replaces glutamine 442 with a stop codon.
Molecular consequence: nonsense. On other transcripts: intron variant (1).
Genome position (GRCh38, 1-based): chr12:120,997,488, C>T. VCF-style: chr12-120997488-C-T. GRCh37 (hg19) VCF-style: chr12-121435291-C-T.
Other names: c.1324C>T, p.Gln442Ter (NM_001306179.2); c.1309+746C>T (NM_001406915.1); short protein forms Q442*.
Identifiers: ClinVar variation 3237529 (VCV003237529.5), dbSNP rs2135847381.
Genomic context (GRCh38, chr12:120,997,488, plus strand): 5'-GGATATAACTGGGGGGCCCAGCTGATTCCCTCCCCTTCCACTCCAGGCCTGGCCTCCACG[C>T]AGGCACAGAGTGTGCCGGTCATCAACAGCATGGGCAGCAGCCTGACCACCCTGCAGCCCG-3'

ClinVar aggregate classification (germline): Pathogenic/Likely pathogenic. Review status: criteria provided, multiple submitters, no conflicts (2 of 4 stars). 4 submissions from 4 submitters: Pathogenic (3); Likely pathogenic (1). Last evaluated 2024-06-06.

Conditions:
HNF1A-related disorders.
Maturity-onset diabetes of the young type 3. Also called: MODY, type III; MODY type 3. Identifiers: Orphanet 552, MedGen C1838100, MeSH C563933, MONDO:0010894, OMIM 600496. Disease mechanism: loss of function.

Submissions (4):

GeneDx
Classification: Likely pathogenic. Last evaluated: 2024-06-06. Review status: criteria provided, single submitter. Criteria: GeneDx Variant Classification Process June 2021. Collection method: clinical testing. Allele origin: germline. Affected: yes.
Comment: Nonsense variant predicted to result in protein truncation or nonsense mediated decay in a gene for which loss of function is a known mechanism of disease; Not observed at significant frequency in large population cohorts (gnomAD); This variant is associated with the following publications: (PMID: 25525159, 16917892, 36257325)

Labcorp Genetics (formerly Invitae), Labcorp
Classification: Pathogenic. Last evaluated: 2024-02-27. Review status: criteria provided, single submitter. Criteria: Invitae Variant Classification Sherloc (09022015). Collection method: clinical testing. Allele origin: germline.
Comment: This sequence change creates a premature translational stop signal (p.Gln442*) in the HNF1A gene. It is expected to result in an absent or disrupted protein product. Loss-of-function variants in HNF1A are known to be pathogenic (PMID: 15928245, 18003757). This variant is not present in population databases (gnomAD no frequency). This premature translational stop signal has been observed in individual(s) with maturity-onset diabetes of the young (PMID: 16917892). For these reasons, this variant has been classified as Pathogenic.

Baylor Genetics
Classification: Pathogenic for Maturity-onset diabetes of the young type 3. Last evaluated: 2024-01-29. Review status: criteria provided, single submitter. Criteria: ACMG Guidelines, 2015. Collection method: clinical testing. Allele origin: unknown.

Blueprint Genetics
Classification: Pathogenic for HNF1A-related disorders. Last evaluated: 2023-10-09. Review status: criteria provided, single submitter. Criteria: ACMG Guidelines, 2015. Collection method: clinical testing. Allele origin: germline. Affected: yes. Observed: 1 variant allele.

Literature cited by the submitters: PubMed 15928245 (cited by Labcorp Genetics (formerly Invitae), Labcorp); PubMed 18003757 (cited by Labcorp Genetics (formerly Invitae), Labcorp); PubMed 16917892 (cited by Labcorp Genetics (formerly Invitae), Labcorp).